The following is an entry in ClinVar:

NM_014244.5(ADAMTS2):c.108delinsGAGACA (p.Asn36fs)

Gene: ADAMTS2 (ADAM metallopeptidase with thrombospondin type 1 motif 2; minus strand). Cytogenetic location: 5q35.3.
Variant type: Indel.
Coding change: c.108delinsGAGACA on transcript NM_014244.5 (MANE Select); coding-DNA position 108, C replaced by GAGACA.
Protein change: p.Asn36fs; shifts the reading frame from asparagine 36.
Molecular consequence: frameshift variant.
Genome position (GRCh38, 1-based): chr5:179,345,221, G replaced by TGTCTC on the plus strand (C replaced by GAGACA on the coding strand, the reverse complement: ADAMTS2 is on the minus strand). VCF-style: chr5-179345221-G-TGTCTC. GRCh37 (hg19) VCF-style: chr5-178772222-G-TGTCTC.
Other names: c.108delinsGAGACA, p.Asn36fs (NM_021599.4); short protein forms N36fs.
Identifiers: ClinVar variation 5011203 (VCV005011203.1).

ClinVar aggregate classification (germline): Pathogenic (1 of 4 stars; one submission).

Conditions:
Ehlers-Danlos syndrome, dermatosparaxis type. Also called: EDS VIIC; Dermatosparaxis; Ehlers-Danlos syndrome, type VII, autosomal recessive. Identifiers: Orphanet 1901, MedGen C2700425, MONDO:0009161, OMIM 225410.

Submission:

Myriad Genetics, Inc.
Classification: Pathogenic for Ehlers-Danlos syndrome, dermatosparaxis type. Last evaluated: 2024-05-14. Review status: criteria provided, single submitter. Criteria: Myriad Autosomal Dominant, Autosomal Recessive and X-Linked Classification Criteria (2023). Collection method: clinical testing. Allele origin: unknown.
Comment: NM_014244.4(ADAMTS2):c.108del1ins6(N36Kfs*131) is expected to be pathogenic in the context of Ehlers-Danlos syndrome, ADAMTS2-related. This variant is predicted to lead to an abnormal or absent protein product due to the creation of a premature termination codon in ADAMTS2, a gene where loss-of-function variants are known to be pathogenic. Please note: this variant was assessed in the context of healthy population screening.